The following is an entry in ClinVar:

ClinVar aggregate classification (germline): Pathogenic (1 of 4 stars; one submission).

Conditions:
Primary ciliary dyskinesia. Also called: Ciliary dyskinesia. Identifiers: Orphanet 244, MedGen C0008780, MONDO:0016575, HP:0012265.

Submission:

Labcorp Genetics (formerly Invitae), Labcorp
Classification: Pathogenic for Primary ciliary dyskinesia. Last evaluated: 2022-12-22. Review status: criteria provided, single submitter. Criteria: Invitae Variant Classification Sherloc (09022015). Collection method: clinical testing. Allele origin: germline.
Comment: For these reasons, this variant has been classified as Pathogenic. This sequence change creates a premature translational stop signal (p.Tyr4476Serfs*17) in the DNAH11 gene. While this is not anticipated to result in nonsense mediated decay, it is expected to disrupt the last 41 amino acid(s) of the DNAH11 protein. This variant is not present in population databases (gnomAD no frequency). This variant has not been reported in the literature in individuals affected with DNAH11-related conditions. This variant disrupts a region of the DNAH11 protein in which other variant(s) (p.Ser4498Argfs*15) have been determined to be pathogenic (Invitae). This suggests that this is a clinically significant region of the protein, and that variants that disrupt it are likely to be disease-causing.

NM_001277115.2(DNAH11):c.13396_13426dup (p.Tyr4476fs)

Genes: CDCA7L (cell division cycle associated 7 like; minus strand), DNAH11 (dynein axonemal heavy chain 11; plus strand). Cytogenetic location: 7p15.3.
Variant type: Duplication.
Coding change: c.13396_13426dup on transcript NM_001277115.2 (MANE Select); coding-DNA positions 13396 to 13426, 31 bases duplicated.
Protein change: p.Tyr4476fs; shifts the reading frame from tyrosine 4476.
Molecular consequence: frameshift variant. On other transcripts: 3 prime UTR variant (3).
Genome position (GRCh38, 1-based): chr7:21,901,099-21,901,129, 31 bases duplicated. GRCh37 (hg19): chr7:21,940,717-21,940,747.
Other names: c.*1193_*1223dup (NM_001127370.3, NM_001127371.3, NM_018719.5); short protein forms Y4476fs.
Identifiers: ClinVar variation 2806095 (VCV002806095.3), dbSNP rs2534164296, ClinGen allele CA2681994379.